The following is an entry in ClinVar:

NM_001394372.1(BICRA):c.4420C>T (p.Arg1474Trp)

Gene: BICRA (BRD4 interacting chromatin remodeling complex associated protein; plus strand). Cytogenetic location: 19q13.33.
Variant type: single nucleotide variant.
Coding change: c.4420C>T on transcript NM_001394372.1 (MANE Select); coding-DNA position 4420, C replaced by T.
Protein change: p.Arg1474Trp; replaces arginine 1474 with tryptophan.
Molecular consequence: missense variant.
Genome position (GRCh38, 1-based): chr19:47,702,152, C>T. VCF-style: chr19-47702152-C-T. GRCh37 (hg19) VCF-style: chr19-48205409-C-T.
Other names: c.4420C>T, p.Arg1474Trp (NM_015711.3); short protein forms R1474W.
Identifiers: ClinVar variation 4887498 (VCV004887498.1).

ClinVar aggregate classification (germline): Uncertain significance (1 of 4 stars; one submission).

gnomAD v4.1: 4 of 1,555,328 alleles (0.00026%); highest among the groups gnomAD compares: Non-Finnish European, 0.00035%; no homozygotes.

Submission:

Women's Health and Genetics/Laboratory Corporation of America, LabCorp
Classification: Uncertain significance. Last evaluated: 2026-06-04. Review status: criteria provided, single submitter. Criteria: LabCorp Variant Classification Summary - May 2015. Collection method: clinical testing. Allele origin: germline.
Comment: Variant summary: BICRA c.4420C>T (p.Arg1474Trp) results in a non-conservative amino acid change in the encoded protein sequence. Algorithms developed to predict the effect of missense changes on protein structure and function are either unavailable or do not agree on the potential impact of this missense change. The variant was absent in 154526 control chromosomes. The available data on variant occurrences in the general population are insufficient to allow any conclusion about variant significance. To our knowledge, no occurrence of c.4420C>T in individuals affected with BICRA-related conditions and no experimental evidence demonstrating its impact on protein function have been reported. No submitters have cited clinical-significance assessments for this variant to ClinVar. Based on the evidence outlined above, the variant was classified as uncertain significance.